The following is an entry in ClinVar:

ClinVar aggregate classification (germline): Uncertain significance (1 of 4 stars; one submission).

Conditions:
Pierson syndrome. Also called: MICROCORIA-CONGENITAL NEPHROTIC SYNDROME. Identifiers: Orphanet 2670, MedGen C1836876, MONDO:0012184, OMIM 609049.
LAMB2-related infantile-onset nephrotic syndrome. Also called: NEPHROTIC SYNDROME, TYPE 5, WITHOUT OCULAR ABNORMALITIES; NEPHROTIC SYNDROME, TYPE 5, WITH OCULAR ABNORMALITIES; Nephrotic Syndrome, type 5. Identifiers: Orphanet 306507, MedGen C3280113, MONDO:0013621, OMIM 614199.

Submission:

Labcorp Genetics (formerly Invitae), Labcorp
Classification: Uncertain significance for LAMB2-related infantile-onset nephrotic syndrome; Pierson syndrome. Last evaluated: 2025-03-22. Review status: criteria provided, single submitter. Criteria: Invitae Variant Classification Sherloc (09022015). Collection method: clinical testing. Allele origin: germline.
Comment: This sequence change replaces alanine, which is neutral and non-polar, with glycine, which is neutral and non-polar, at codon 59 of the LAMB2 protein (p.Ala59Gly). This variant is not present in population databases (gnomAD no frequency). This variant has not been reported in the literature in individuals affected with LAMB2-related conditions. An algorithm developed to predict the effect of missense changes on protein structure and function (PolyPhen-2) suggests that this variant is likely to be disruptive. In summary, the available evidence is currently insufficient to determine the role of this variant in disease. Therefore, it has been classified as a Variant of Uncertain Significance.

NM_002292.4(LAMB2):c.176C>G (p.Ala59Gly)

Gene: LAMB2 (laminin subunit beta 2; minus strand). Cytogenetic location: 3p21.31.
Variant type: single nucleotide variant.
Coding change: c.176C>G on transcript NM_002292.4 (MANE Select); coding-DNA position 176, C replaced by G.
Protein change: p.Ala59Gly; replaces alanine 59 with glycine.
Molecular consequence: missense variant.
Genome position (GRCh38, 1-based): chr3:49,132,564, G>C on the plus strand (C>G on the coding strand, the complement: LAMB2 is on the minus strand). VCF-style: chr3-49132564-G-C. GRCh37 (hg19) VCF-style: chr3-49169997-G-C.
Other names: short protein forms A59G.
Identifiers: ClinVar variation 4784449 (VCV004784449.1).